The following is an entry in ClinVar:

NM_003611.3(OFD1):c.2276A>T (p.His759Leu)

Gene: OFD1 (OFD1 centriole and centriolar satellite protein; plus strand). Cytogenetic location: Xp22.2.
Variant type: single nucleotide variant.
Coding change: c.2276A>T on transcript NM_003611.3 (MANE Select); coding-DNA position 2276, A replaced by T.
Protein change: p.His759Leu; replaces histidine 759 with leucine.
Molecular consequence: missense variant.
Genome position (GRCh38, 1-based): chrX:13,761,100, A>T. VCF-style: chrX-13761100-A-T. GRCh37 (hg19) VCF-style: chrX-13779219-A-T.
Other names: c.2156A>T, p.His719Leu (NM_001330209.2); c.1856A>T, p.His619Leu (NM_001330210.2); short protein forms H619L, H719L, H759L.
Identifiers: ClinVar variation 3750704 (VCV003750704.2).
Genomic context (GRCh38, chrX:13,761,100, plus strand): 5'-CGTGCAATTGGTAATATTCTTGCCTTGGTTCTTTCTGCACCTTAGGTCTGGGCAGATCAC[A>T]CATTGCTTCCCCCAGTCCTTGTCCTGACAGAATGCCCCTACCATCACCCACTGAGTCTAG-3'
Protein context (NP_003602.1, residues 749-769): EMYLEGLGRS[His759Leu]IASPSPCPDR

ClinVar aggregate classification (germline): Uncertain significance (1 of 4 stars; one submission).

Conditions:
Joubert syndrome. Also called: CEREBELLOPARENCHYMAL DISORDER IV; JOUBERT-BOLTSHAUSER SYNDROME; Familial aplasia of the vermis. Identifiers: Orphanet 475, MedGen C5979921, MONDO:0018772.
Orofaciodigital syndrome I (OFD1). Also called: OFDS I; Papillon-Leage and Psaume Syndrome; Oral-Facial-Digital Syndrome Type I. Identifiers: Orphanet 2750, MedGen C1510460, MONDO:0010702, OMIM 311200.

gnomAD v4.1: 2 of 1,211,368 alleles (0.00017%); highest among the groups gnomAD compares: Non-Finnish European, 0.00022%; no homozygotes.

Submission:

Labcorp Genetics (formerly Invitae), Labcorp
Classification: Uncertain significance for Orofaciodigital syndrome I; Joubert syndrome. Last evaluated: 2024-02-06. Review status: criteria provided, single submitter. Criteria: Invitae Variant Classification Sherloc (09022015). Collection method: clinical testing. Allele origin: germline.
Comment: This sequence change replaces histidine, which is basic and polar, with leucine, which is neutral and non-polar, at codon 759 of the OFD1 protein (p.His759Leu). This variant is not present in population databases (gnomAD no frequency). This variant has not been reported in the literature in individuals affected with OFD1-related conditions. Advanced modeling of protein sequence and biophysical properties (such as structural, functional, and spatial information, amino acid conservation, physicochemical variation, residue mobility, and thermodynamic stability) performed at Invitae indicates that this missense variant is not expected to disrupt OFD1 protein function with a negative predictive value of 80%. In summary, the available evidence is currently insufficient to determine the role of this variant in disease. Therefore, it has been classified as a Variant of Uncertain Significance.